The following is an entry in ClinVar:

ClinVar aggregate classification (germline): Uncertain significance. Review status: criteria provided, multiple submitters, no conflicts (2 of 4 stars). 3 submissions from 3 submitters: Uncertain significance (2). 1 of the submissions does not count toward it. Last evaluated 2025-01-13.

Conditions:
Retinal dystrophy. Also called: Inherited retinal dystrophy. Identifiers: Orphanet 71862, MedGen C0854723, MeSH D058499, MONDO:0019118, HP:0000556.

Allele frequency attached by ClinVar (database versions not stated): ExAC 0.00001; gnomAD exomes 0.00001; TOPMed 0.00002.
gnomAD v4.1: 15 of 1,614,002 alleles (0.00093%); highest among the groups gnomAD compares: Middle Eastern, 0.017%; no homozygotes.

Submissions (3):

Labcorp Genetics (formerly Invitae), Labcorp
Classification: Uncertain significance. Last evaluated: 2025-01-13. Review status: criteria provided, single submitter. Criteria: Invitae Variant Classification Sherloc (09022015). Collection method: clinical testing. Allele origin: germline.
Comment: This sequence change replaces isoleucine, which is neutral and non-polar, with valine, which is neutral and non-polar, at codon 681 of the RP1 protein (p.Ile681Val). This variant is present in population databases (rs756630298, gnomAD 0.003%). This variant has not been reported in the literature in individuals affected with RP1-related conditions. ClinVar contains an entry for this variant (Variation ID: 3019295). An algorithm developed to predict the effect of missense changes on protein structure and function outputs the following: PolyPhen-2: "Benign". The valine amino acid residue is found in multiple mammalian species, which suggests that this missense change does not adversely affect protein function. In summary, the available evidence is currently insufficient to determine the role of this variant in disease. Therefore, it has been classified as a Variant of Uncertain Significance.

Blueprint Genetics
Classification: Uncertain significance. Last evaluated: 2022-12-30. Review status: criteria provided, single submitter. Criteria: ACMG Guidelines, 2015. Collection method: clinical testing. Allele origin: germline.

Institute of Human Genetics, Univ. Regensburg, Univ. Regensburg
Classification: Uncertain significance for Retinal dystrophy. Last evaluated: 2022-01-01. Review status: no assertion criteria provided. Criteria: ACMG Guidelines, 2015. Collection method: clinical testing. Allele origin: germline. Affected: yes. Not counted in ClinVar's aggregate classification.

NM_006269.2(RP1):c.2041A>G (p.Ile681Val)

Gene: RP1 (RP1 axonemal microtubule associated; plus strand). Cytogenetic location: 8q12.1.
Variant type: single nucleotide variant.
Coding change: c.2041A>G on transcript NM_006269.2 (MANE Select); coding-DNA position 2041, A replaced by G.
Protein change: p.Ile681Val; replaces isoleucine 681 with valine.
Molecular consequence: missense variant. On other transcripts: intron variant (1).
Genome position (GRCh38, 1-based): chr8:54,625,923, A>G. VCF-style: chr8-54625923-A-G. GRCh37 (hg19) VCF-style: chr8-55538483-A-G.
Other names: c.787+3635A>G (NM_001375654.1); short protein forms I681V.
Identifiers: ClinVar variation 3019295 (VCV003019295.5), dbSNP rs756630298, ClinGen allele CA4751471.